The following is an entry in ClinVar:

ClinVar aggregate classification (germline): Uncertain significance. Review status: criteria provided, single submitter (1 of 4 stars). 2 submissions from 2 submitters: Uncertain significance (1). 1 of the submissions does not count toward it. Last evaluated 2026-10-21.

Conditions:
Usher syndrome type 1 (USH1). Also called: RETINITIS PIGMENTOSA AND CONGENITAL DEAFNESS. Identifiers: Orphanet 231169, Orphanet 886, MedGen C1568247, MONDO:0010168, OMIM 276900.

gnomAD v4.1: 1 of 1,614,072 alleles (0.000062%); highest among the groups gnomAD compares: Non-Finnish European, 0.000085%; no homozygotes.

Submissions (2):

GeneDx
Classification: Uncertain significance. Last evaluated: 2026-10-21. Review status: criteria provided, single submitter. Criteria: GeneDx Variant Classification Process June 2021. Collection method: clinical testing. Allele origin: germline.
Comment: Not observed at significant frequency in large population cohorts (gnomAD); In silico analysis suggests that this missense variant does not alter protein structure/function; Has not been previously published as pathogenic or benign to our knowledge

Natera, Inc.
Classification: Uncertain significance for Usher syndrome type 1. Last evaluated: 2025-02-20. Review status: no assertion criteria provided. Collection method: clinical testing. Allele origin: germline. Not counted in ClinVar's aggregate classification.

NM_022124.6(CDH23):c.7291T>G (p.Ser2431Ala)

Gene: CDH23 (cadherin related 23; plus strand). Cytogenetic location: 10q22.1.
Variant type: single nucleotide variant.
Coding change: c.7291T>G on transcript NM_022124.6 (MANE Select); coding-DNA position 7291, T replaced by G.
Protein change: p.Ser2431Ala; replaces serine 2431 with alanine.
Molecular consequence: missense variant.
Genome position (GRCh38, 1-based): chr10:71,799,558, T>G. VCF-style: chr10-71799558-T-G. GRCh37 (hg19) VCF-style: chr10-73559315-T-G.
Other names: c.571T>G, p.Ser191Ala (NM_001171933.1, NM_001171934.1); short protein forms S191A, S2431A.
Identifiers: ClinVar variation 3367435 (VCV003367435.3).